The following is an entry in ClinVar:

ClinVar aggregate classification (germline): Uncertain significance (1 of 4 stars; one submission).

Conditions:
Hypertrophic cardiomyopathy. Also called: HYPERTROPHIC MYOCARDIOPATHY. Identifiers: Orphanet 217569, MedGen C0007194, MeSH D002312, MONDO:0005045, HP:0001639.

Submission:

Labcorp Genetics (formerly Invitae), Labcorp
Classification: Uncertain significance for Hypertrophic cardiomyopathy. Last evaluated: 2021-10-15. Review status: criteria provided, single submitter. Criteria: Invitae Variant Classification Sherloc (09022015). Collection method: clinical testing. Allele origin: germline.
Comment: In summary, the available evidence is currently insufficient to determine the role of this variant in disease. Therefore, it has been classified as a Variant of Uncertain Significance. This variant has not been reported in the literature in individuals affected with MYH7-related conditions. This variant is not present in population databases (ExAC no frequency). This sequence change creates a premature translational stop signal (p.Glu280Glyfs*23) in the MYH7 gene. It is expected to result in an absent or disrupted protein product. However, the current clinical and genetic evidence is not sufficient to establish whether loss-of-function variants in MYH7 cause disease.

NM_000257.4(MYH7):c.839del (p.Glu280fs)

Gene: MYH7 (myosin heavy chain 7; minus strand). Cytogenetic location: 14q11.2.
Variant type: Deletion.
Coding change: c.839del on transcript NM_000257.4 (MANE Select); coding-DNA position 839, one base deleted (A; older notation c.839delA).
Protein change: p.Glu280fs; shifts the reading frame from glutamic acid 280.
Molecular consequence: frameshift variant.
Genome position (GRCh38, 1-based): chr14:23,430,957, T deleted on the plus strand (A on the coding strand, the reverse complement: MYH7 is on the minus strand). VCF-style (leftmost placement, unchanged base first): chr14-23430956-CT-C. GRCh37 (hg19) VCF-style: chr14-23900165-CT-C.
Other names: short protein forms E280fs.
Identifiers: ClinVar variation 1525895 (VCV001525895.6), dbSNP rs2138680128, ClinGen allele CA2573149873.